The following is an entry in ClinVar:

ClinVar aggregate classification (germline): Benign. Review status: criteria provided, multiple submitters, no conflicts (2 of 4 stars). 5 submissions from 3 submitters: Benign (5). Last evaluated 2021-05-13.

Conditions:
Atrial fibrillation, familial, 9 (ATFB9). Identifiers: MedGen C3151431, MONDO:0013513, OMIM 613980.
Short QT syndrome type 3. Identifiers: Orphanet 51083, MedGen C1865018, MONDO:0012314, OMIM 609622.
Andersen Tawil syndrome (LQT7). Also called: Potassium-sensitive periodic paralysis, ventricular ectopy, and dysmorphic features; ANDERSEN CARDIODYSRHYTHMIC PERIODIC PARALYSIS; LONG QT SYNDROME 7; PERIODIC PARALYSIS, POTASSIUM-SENSITIVE CARDIODYSRHYTHMIC TYPE; Andersen Syndrome. Identifiers: Orphanet 37553, MedGen C1563715, MONDO:0008222, OMIM 170390.

Allele frequency attached by ClinVar (database versions not stated): gnomAD exomes 0.00013; gnomAD 0.06352 and 0.06787; TOPMed 0.07272; 1000 Genomes Project 0.07308; 1000 Genomes Project 30x 0.07839.
gnomAD v4.1: 9,576 of 167,178 alleles (5.7%); highest among the groups gnomAD compares: African/African-American, 22%; 1,016 homozygotes.

Submissions (5):

GeneDx
Classification: Benign. Last evaluated: 2021-05-13. Review status: criteria provided, single submitter. Criteria: GeneDx Variant Classification Process June 2021. Collection method: clinical testing. Allele origin: germline. Affected: yes.

Illumina Laboratory Services, Illumina
Classification: Benign for Short QT syndrome type 3. Last evaluated: 2018-01-13. Review status: criteria provided, single submitter. Criteria: ICSL Variant Classification Criteria 13 December 2019. Collection method: clinical testing. Allele origin: germline.
Comment: This variant was observed in the ICSL laboratory as part of a predisposition screen in an ostensibly healthy population. It had not been previously curated by ICSL or reported in the Human Gene Mutation Database (HGMD: prior to June 1st, 2018), and was therefore a candidate for classification through an automated scoring system. Utilizing variant allele frequency, disease prevalence and penetrance estimates, and inheritance mode, an automated score was calculated to assess if this variant is too frequent to cause the disease. Based on the score and internal cut-off values, a variant classified as benign is not then subjected to further curation. The score for this variant resulted in a classification of benign for this disease.

Illumina Laboratory Services, Illumina
Classification: Benign for Andersen Tawil syndrome. Last evaluated: 2018-01-13. Review status: criteria provided, single submitter. Criteria: ICSL Variant Classification Criteria 13 December 2019. Collection method: clinical testing. Allele origin: germline.
Comment: the same text as in the submission from Illumina Laboratory Services, Illumina above.

Illumina Laboratory Services, Illumina
Classification: Benign for Atrial fibrillation, familial, 9. Last evaluated: 2018-01-13. Review status: criteria provided, single submitter. Criteria: ICSL Variant Classification Criteria 13 December 2019. Collection method: clinical testing. Allele origin: germline.
Comment: the same text as in the submission from Illumina Laboratory Services, Illumina above.

Breakthrough Genomics
Classification: Benign. Review status: criteria provided, single submitter. Criteria: ACMG Guidelines, 2015. Collection method: not provided. Allele origin: germline. Inheritance: Autosomal dominant inheritance. Affected: yes.

NM_000891.3(KCNJ2):c.*1198A>G

Gene: KCNJ2 (potassium inwardly rectifying channel subfamily J member 2; plus strand). Cytogenetic location: 17q24.3.
Variant type: single nucleotide variant.
Coding change: c.*1198A>G on transcript NM_000891.3 (MANE Select); 1198 bases downstream of the stop codon, A replaced by G.
Molecular consequence: 3 prime UTR variant.
Genome position (GRCh38, 1-based): chr17:70,177,521, A>G. VCF-style: chr17-70177521-A-G. GRCh37 (hg19) VCF-style: chr17-68173662-A-G.
Identifiers: ClinVar variation 324852 (VCV000324852.8), dbSNP rs9895478, ClinGen allele CA10650784.